The following is an entry in ClinVar:

NM_005050.4(ABCD4):c.227T>C (p.Leu76Ser)

Gene: ABCD4 (ATP binding cassette subfamily D member 4; minus strand). Cytogenetic location: 14q24.3.
Variant type: single nucleotide variant.
Coding change: c.227T>C on transcript NM_005050.4 (MANE Select); coding-DNA position 227, T replaced by C.
Protein change: p.Leu76Ser; replaces leucine 76 with serine.
Molecular consequence: missense variant. On other transcripts: intron variant (9), 5 prime UTR variant (10), non-coding transcript variant (6).
Genome position (GRCh38, 1-based): chr14:74,299,606, A>G on the plus strand (T>C on the coding strand, the complement: ABCD4 is on the minus strand). VCF-style: chr14-74299606-A-G. GRCh37 (hg19) VCF-style: chr14-74766309-A-G.
Other names: c.-125+544T>C (NM_001353596.2, NM_001353597.2); c.-410+544T>C (NM_001353603.2, NM_001353606.2); c.-193+544T>C (NM_001353600.2); c.227T>C, p.Leu76Ser (NM_001353591.2, NM_001353592.2, NM_020325.3); c.-35T>C (NM_001353593.2, NM_001353594.2); c.-183T>C (NM_001353595.2); c.-111T>C (NM_001353599.2, NM_020324.3); c.-463T>C (NM_001353602.2); and 6 more; short protein forms L76S.
Identifiers: ClinVar variation 2072984 (VCV002072984.2), dbSNP rs776922749, ClinGen allele CA7267297.

ClinVar aggregate classification (germline): Uncertain significance (1 of 4 stars; one submission).

Conditions:
Methylmalonic acidemia with homocystinuria, type cblJ (MAHCJ). Also called: METHYLMALONIC ACIDURIA AND HOMOCYSTINURIA, cblJ TYPE. Identifiers: Orphanet 369955, MedGen C3553915, MONDO:0013925, OMIM 614857.

Allele frequency attached by ClinVar (database versions not stated): gnomAD exomes below 0.00001; ExAC 0.00001; gnomAD 0.00001.
gnomAD v4.1: 4 of 1,613,884 alleles (0.00025%); highest among the groups gnomAD compares: Admixed American, 0.005%; no homozygotes.

Submission:

Labcorp Genetics (formerly Invitae), Labcorp
Classification: Uncertain significance for Methylmalonic acidemia with homocystinuria, type cblJ. Last evaluated: 2022-04-09. Review status: criteria provided, single submitter. Criteria: Invitae Variant Classification Sherloc (09022015). Collection method: clinical testing. Allele origin: germline.
Comment: This variant has not been reported in the literature in individuals affected with ABCD4-related conditions. In summary, the available evidence is currently insufficient to determine the role of this variant in disease. Therefore, it has been classified as a Variant of Uncertain Significance. Advanced modeling of protein sequence and biophysical properties (such as structural, functional, and spatial information, amino acid conservation, physicochemical variation, residue mobility, and thermodynamic stability) performed at Invitae indicates that this missense variant is not expected to disrupt ABCD4 protein function. This variant is present in population databases (rs776922749, gnomAD 0.006%). This sequence change replaces leucine, which is neutral and non-polar, with serine, which is neutral and polar, at codon 76 of the ABCD4 protein (p.Leu76Ser).